The following is an entry in ClinVar:

NM_000059.4(BRCA2):c.1054T>C (p.Tyr352His)

Gene: BRCA2 (BRCA2 DNA repair associated; plus strand). Cytogenetic location: 13q13.1.
Variant type: single nucleotide variant.
Coding change: c.1054T>C on transcript NM_000059.4 (MANE Select); coding-DNA position 1054, T replaced by C.
Protein change: p.Tyr352His; replaces tyrosine 352 with histidine.
Molecular consequence: missense variant.
Genome position (GRCh38, 1-based): chr13:32,332,532, T>C. VCF-style: chr13-32332532-T-C. GRCh37 (hg19) VCF-style: chr13-32906669-T-C.
Other names: short protein forms Y352H.
Identifiers: ClinVar variation 187741 (VCV000187741.32), dbSNP rs542343726, ClinGen allele CA010685.

ClinVar aggregate classification (germline): Conflicting classifications of pathogenicity. Review status: criteria provided, conflicting classifications (1 of 4 stars). 11 submissions from 11 submitters: Uncertain significance (2); Benign (1); Likely benign (8). Last evaluated 2026-04-15.

Conditions:
Hereditary cancer-predisposing syndrome. Also called: Tumor predisposition; Neoplastic Syndromes, Hereditary; Hereditary neoplastic syndrome; Hereditary Cancer Syndrome. Identifiers: Orphanet 140162, MedGen C0027672, MeSH D009386, MONDO:0015356.
Hereditary breast ovarian cancer syndrome. Also called: Hereditary breast and ovarian cancer syndrome; Hereditary breast and ovarian cancer syndrome (HBOC); Hereditary breast and ovarian cancer; Breast and ovarian cancer; BRCA1- and BRCA2-Associated Hereditary Breast and Ovarian Cancer; Hereditary breast and/or ovarian cancer syndrome. Identifiers: Orphanet 145, MedGen C0677776, MeSH D061325, MONDO:0003582. Disease mechanism: loss of function.
Breast-ovarian cancer, familial, susceptibility to, 2 (BROVCA2). Also called: BRCA2 Hereditary Breast and Ovarian Cancer. Identifiers: Orphanet 145, MedGen C2675520, MONDO:0012933, OMIM 612555. Disease mechanism: loss of function.

Allele frequency attached by ClinVar (database versions not stated): TOPMed below 0.00001; ExAC 0.00001; gnomAD 0.00001; gnomAD exomes 0.00001; 1000 Genomes Project 30x 0.00016; 1000 Genomes Project 0.00020.
gnomAD v4.1: 5 of 1,611,652 alleles (0.00031%); highest among the groups gnomAD compares: Admixed American, 0.0017%; no homozygotes.

Submissions (11):

Women's Health and Genetics/Laboratory Corporation of America, LabCorp
Classification: Uncertain significance. Last evaluated: 2026-04-15. Review status: criteria provided, single submitter. Criteria: LabCorp Variant Classification Summary - May 2015. Collection method: clinical testing. Allele origin: germline.
Comment: Variant summary: BRCA2 c.1054T>C (p.Tyr352His) results in a conservative amino acid change in the encoded protein sequence. Algorithms developed to predict the effect of missense changes on protein structure and function all suggest that this variant is likely to be tolerated. The variant allele was found at a frequency of 8.1e-06 in 247576 control chromosomes (gnomAD). The available data on variant occurrences in the general population are insufficient to allow any conclusion about variant significance. c.1054T>C has been reported in the literature in at least one individual affected with breast cancer (e.g. Lara_2012). This report does not provide unequivocal conclusions about association of the variant with Hereditary Breast And Ovarian Cancer Syndrome. To our knowledge, no experimental evidence demonstrating an impact on protein function has been reported. The following publication has been ascertained in the context of this evaluation (PMID: 23096355). ClinVar contains an entry for this variant (Variation ID: 187741). Based on the evidence outlined above, the variant was classified as VUS-possibly benign.

Labcorp Genetics (formerly Invitae), Labcorp
Classification: Likely benign for Hereditary breast ovarian cancer syndrome. Last evaluated: 2026-01-31. Review status: criteria provided, single submitter. Criteria: Invitae Variant Classification Sherloc (09022015). Collection method: clinical testing. Allele origin: germline.

Blueprint Genetics
Classification: Likely benign. Last evaluated: 2024-08-23. Review status: criteria provided, single submitter. Criteria: ACMG Guidelines, 2015. Collection method: clinical testing. Allele origin: germline.

Molecular Pathology, Peter Maccallum Cancer Centre
Classification: Likely benign for Breast-ovarian cancer, familial, susceptibility to, 2. Last evaluated: 2024-06-11. Review status: criteria provided, single submitter. Criteria: ACMG Guidelines, 2015. Collection method: clinical testing. Allele origin: germline. Inheritance: Autosomal dominant inheritance.

Quest Diagnostics Nichols Institute San Juan Capistrano
Classification: Uncertain significance. Last evaluated: 2023-09-01. Review status: criteria provided, single submitter. Criteria: Quest Diagnostics criteria. Collection method: clinical testing. Allele origin: unknown.
Comment: In the published literature, this variant has been reported in an individual with breast cancer (PMID: 23096355 (2012)). The frequency of this variant in the general population, 0.0000081 (2/247576 chromosomes (Genome Aggregation Database)), is uninformative in the assessment of its pathogenicity. Analysis of this variant using bioinformatics tools for the prediction of the effect of amino acid changes on protein structure and function yielded predictions that this variant is benign. Based on the available information, we are unable to determine the clinical significance of this variant.

All of Us Research Program, National Institutes of Health
Classification: Likely benign for Breast-ovarian cancer, familial, susceptibility to, 2. Last evaluated: 2023-08-08. Review status: criteria provided, single submitter. Criteria: ACMG Guidelines, 2015. Collection method: clinical testing. Allele origin: germline. Inheritance: Autosomal dominant inheritance. Observed: 1 variant allele, 1 heterozygote.
Comment: This study involves interpretation of variants in research participants for the purpose of population health screening. Participant phenotype was not available at the time of variant classification. Additional details can be found in publication PMID: 35346344, PMCID: PMC8962531

University of Washington Department of Laboratory Medicine, University of Washington
Classification: Likely benign for Hereditary cancer-predisposing syndrome. Last evaluated: 2023-03-23. Review status: criteria provided, single submitter. Criteria: Dines et al. (Genet Med. 2020). Collection method: curation. Allele origin: germline.
Comment: Missense variant in a coldspot region where missense variants are very unlikely to be pathogenic (PMID:31911673).

BRCA2 exon 10 coldspot. Reclassification based on statistical prior probability.

Sema4
Classification: Likely benign for Hereditary cancer-predisposing syndrome. Last evaluated: 2021-03-12. Review status: criteria provided, single submitter. Criteria: Sema4 Curation Guidelines. Collection method: curation. Allele origin: germline.

GeneDx
Classification: Likely benign. Last evaluated: 2019-03-20. Review status: criteria provided, single submitter. Criteria: GeneDx Variant Classification Process June 2021. Collection method: clinical testing. Allele origin: germline. Affected: yes.
Comment: This variant is associated with the following publications: (PMID: 23096355)

Ambry Genetics
Classification: Benign for Hereditary cancer-predisposing syndrome. Last evaluated: 2019-03-14. Review status: criteria provided, single submitter. Criteria: Ambry Variant Classification Scheme 2023. Collection method: clinical testing. Allele origin: germline.

Color Diagnostics, LLC DBA Color Health
Classification: Likely benign for Hereditary cancer-predisposing syndrome. Last evaluated: 2018-05-07. Review status: criteria provided, single submitter. Criteria: ACMG Guidelines, 2015. Collection method: clinical testing. Allele origin: germline.

Literature cited by the submitters: PubMed 23096355 (cited by 3 submitters); PubMed 31853058 (cited by Quest Diagnostics Nichols Institute San Juan Capistrano).